The following is an entry in ClinVar:

NM_004586.3(RPS6KA3):c.1679G>A (p.Cys560Tyr)

Gene: RPS6KA3 (ribosomal protein S6 kinase A3; minus strand). Cytogenetic location: Xp22.12.
Variant type: single nucleotide variant.
Coding change: c.1679G>A on transcript NM_004586.3 (MANE Select); coding-DNA position 1679, G replaced by A.
Protein change: p.Cys560Tyr; replaces cysteine 560 with tyrosine.
Molecular consequence: missense variant.
Genome position (GRCh38, 1-based): chrX:20,164,984, C>T on the plus strand (G>A on the coding strand, the complement: RPS6KA3 is on the minus strand). VCF-style: chrX-20164984-C-T. GRCh37 (hg19) VCF-style: chrX-20183102-C-T.
Other names: short protein forms C560Y.
Identifiers: ClinVar variation 2505204 (VCV002505204.1), dbSNP rs2519625038, ClinGen allele CA412514187.

ClinVar aggregate classification (germline): Likely pathogenic (1 of 4 stars; one submission).

Conditions:
RPS6KA3-related disorder. Also called: RPS6KA3-related condition.

Submission:

Greenwood Genetic Center Diagnostic Laboratories, Greenwood Genetic Center
Classification: Likely pathogenic for RPS6KA3-related disorder. Last evaluated: 2023-03-09. Review status: criteria provided, single submitter. Criteria: ACMG Guidelines, 2015. Collection method: clinical testing. Allele origin: germline. Affected: yes.
Comment: PM1, PM2, PM6, PP2, PP3